The following is an entry in ClinVar:

ClinVar aggregate classification (germline): Likely pathogenic (1 of 4 stars; one submission).

Conditions:
Autosomal recessive polycystic kidney disease (ARPKD). Also called: AR polycystic kidney disease. Identifiers: Orphanet 731, Orphanet 8378, MedGen C0085548, MeSH D017044, MONDO:0009889.

Submission:

Natera, Inc.
Classification: Likely pathogenic for Autosomal recessive polycystic kidney disease. Last evaluated: 2025-09-15. Review status: criteria provided, single submitter. Criteria: Natera Variant Classification Schema (03/2026). Collection method: clinical testing. Allele origin: germline.
Comment: The c.12022A>T variant in PKHD1 is a nonsense variant predicted to introduce a stop codon at amino acid 4008. This variant is expected to result in nonsense mediated decay, truncation, or a dysfunctional protein product. This variant is rare in the general population with a frequency below the threshold expected for the associated phenotype(s). Given the available evidence, this variant is classified as Likely Pathogenic.

NM_138694.4(PKHD1):c.12022A>T (p.Arg4008Ter)

Gene: PKHD1 (PKHD1 ciliary IPT domain containing fibrocystin/polyductin; minus strand). Cytogenetic location: 6p12.3.
Variant type: single nucleotide variant.
Coding change: c.12022A>T on transcript NM_138694.4 (MANE Select); coding-DNA position 12022, A replaced by T.
Protein change: p.Arg4008Ter; replaces arginine 4008 with a stop codon.
Molecular consequence: nonsense.
Genome position (GRCh38, 1-based): chr6:51,619,284, T>A on the plus strand (A>T on the coding strand, the complement: PKHD1 is on the minus strand). VCF-style: chr6-51619284-T-A. GRCh37 (hg19) VCF-style: chr6-51484082-T-A.
Other names: short protein forms R4008*.
Identifiers: ClinVar variation 4816568 (VCV004816568.1).